The following is an entry in ClinVar:

ClinVar aggregate classification (germline): Uncertain significance (1 of 4 stars; one submission).

gnomAD v4.1: 4 of 1,612,300 alleles (0.00025%); highest among the groups gnomAD compares: African/African-American, 0.0053%; no homozygotes.

Submission:

Labcorp Genetics (formerly Invitae), Labcorp
Classification: Uncertain significance. Last evaluated: 2023-05-30. Review status: criteria provided, single submitter. Criteria: Invitae Variant Classification Sherloc (09022015). Collection method: clinical testing. Allele origin: germline.
Comment: In summary, the available evidence is currently insufficient to determine the role of this variant in disease. Therefore, it has been classified as a Variant of Uncertain Significance. Advanced modeling of protein sequence and biophysical properties (such as structural, functional, and spatial information, amino acid conservation, physicochemical variation, residue mobility, and thermodynamic stability) performed at Invitae indicates that this missense variant is not expected to disrupt TNNI3K protein function. This variant has not been reported in the literature in individuals affected with TNNI3K-related conditions. This variant is not present in population databases (gnomAD no frequency). This sequence change replaces phenylalanine, which is neutral and non-polar, with leucine, which is neutral and non-polar, at codon 304 of the TNNI3K protein (p.Phe304Leu).

NM_015978.3(TNNI3K):c.912C>A (p.Phe304Leu)

Genes: FPGT-TNNI3K (FPGT-TNNI3K readthrough; plus strand), TNNI3K (TNNI3 interacting kinase; plus strand). Cytogenetic location: 1p31.1.
Variant type: single nucleotide variant.
Coding change: c.912C>A on transcript NM_015978.3 (MANE Select); coding-DNA position 912, C replaced by A.
Protein change: p.Phe304Leu; replaces phenylalanine 304 with leucine.
Molecular consequence: missense variant.
Genome position (GRCh38, 1-based): chr1:74,343,159, C>A. VCF-style: chr1-74343159-C-A. GRCh37 (hg19) VCF-style: chr1-74808843-C-A.
Other names: c.1215C>A, p.Phe405Leu (NM_001112808.3, NM_001199327.2); short protein forms F405L, F304L.
Identifiers: ClinVar variation 2874361 (VCV002874361.3), dbSNP rs763734400, ClinGen allele CA24525219.
Genomic context (GRCh38, chr1:74,343,159, plus strand): 5'-AGTTGCCAAGGAAATCATCCAAATATCAGGAACAGAAAGTCTGACTAAGGAAAACATCTT[C>A]AGTGAAACAGCTTTTCATAGGTAAAAGAATATTTAAGTGCAATAGCCACTAAACTTAGCT-3'
Protein context (NP_057062.1, residues 294-314): GTESLTKENI[Phe304Leu]SETAFHSACT